The following is an entry in ClinVar:

NM_000329.3(RPE65):c.726-1G>A

Gene: RPE65 (retinoid isomerohydrolase RPE65; minus strand). Cytogenetic location: 1p31.3.
Variant type: single nucleotide variant.
Coding change: c.726-1G>A on transcript NM_000329.3 (MANE Select); the canonical splice acceptor site of the intron before coding-DNA position 726, G replaced by A.
Molecular consequence: splice acceptor variant.
Genome position (GRCh38, 1-based): chr1:68,439,324, C>T on the plus strand (G>A on the coding strand, the complement: RPE65 is on the minus strand). VCF-style: chr1-68439324-C-T. GRCh37 (hg19) VCF-style: chr1-68905007-C-T.
Other names: c.450-1G>A (NM_001406857.1, NM_001406856.1); c.618-1G>A (NM_001406853.1); c.726-1G>A (NM_001406859.1).
Identifiers: ClinVar variation 2925293 (VCV002925293.3), dbSNP rs2523426837, ClinGen allele CA340745896.

ClinVar aggregate classification (germline): Pathogenic (1 of 4 stars; one submission).

Conditions:
Retinitis pigmentosa 20 (RP20). Identifiers: Orphanet 791, MedGen C3151086, MONDO:0013425, OMIM 613794.
Leber congenital amaurosis 2 (LCA2). Also called: AMAUROSIS CONGENITA OF LEBER II; Autosomal Recessive RPE65-Related Retinal Degeneration. Identifiers: Orphanet 65, MedGen C1859844, MONDO:0008765, OMIM 204100. Disease mechanism: loss of function.

Allele frequency attached by ClinVar (database versions not stated): gnomAD exomes below 0.00001.
gnomAD v4.1: 2 of 1,613,234 alleles (0.00012%); highest among the groups gnomAD compares: Non-Finnish European, 0.00017%; no homozygotes.

Submission:

Labcorp Genetics (formerly Invitae), Labcorp
Classification: Pathogenic for Leber congenital amaurosis 2; Retinitis pigmentosa 20. Last evaluated: 2022-11-09. Review status: criteria provided, single submitter. Criteria: Invitae Variant Classification Sherloc (09022015). Collection method: clinical testing. Allele origin: germline.
Comment: For these reasons, this variant has been classified as Pathogenic. Algorithms developed to predict the effect of sequence changes on RNA splicing suggest that this variant may disrupt the consensus splice site. Disruption of this splice site has been observed in individuals with Leber congenital amaurosis (PMID: 27208204, 29178642). This variant is not present in population databases (gnomAD no frequency). This sequence change affects an acceptor splice site in intron 7 of the RPE65 gene. It is expected to disrupt RNA splicing. Variants that disrupt the donor or acceptor splice site typically lead to a loss of protein function (PMID: 16199547), and loss-of-function variants in RPE65 are known to be pathogenic (PMID: 9326941, 9501220, 9843205, 18632300).

Literature cited by the submitters: PubMed 27208204; PubMed 29178642; PubMed 16199547; PubMed 9326941; PubMed 9501220; PubMed 9843205; PubMed 18632300.